The following is an entry in ClinVar:

NM_152564.5(VPS13B):c.7848A>G (p.Thr2616=)

Gene: VPS13B (vacuolar protein sorting 13 homolog B; plus strand). Cytogenetic location: 8q22.2.
Variant type: single nucleotide variant.
Coding change: c.7848A>G on transcript NM_152564.5 (MANE Select); coding-DNA position 7848, A replaced by G.
Protein change: p.Thr2616=; no amino-acid change (threonine 2616 retained).
Molecular consequence: synonymous variant.
Genome position (GRCh38, 1-based): chr8:99,784,383, A>G. VCF-style: chr8-99784383-A-G. GRCh37 (hg19) VCF-style: chr8-100796611-A-G.
Other names: c.7923A>G, p.Thr2641= (NM_017890.5); c.7848A>G (NM_152564.4).
Identifiers: ClinVar variation 1145432 (VCV001145432.10), dbSNP rs757256533, ClinGen allele CA4824315.

ClinVar aggregate classification (germline): Likely benign. Review status: criteria provided, single submitter (1 of 4 stars). 2 submissions from 2 submitters: Likely benign (1). 1 of the submissions does not count toward it. Last evaluated 2025-10-27.

Conditions:
VPS13B-related disorder. Also called: VPS13B-related condition.
Cohen syndrome (COH1). Also called: PEPPER SYNDROME; Cutis verticis gyrata, retinitis pigmentosa, and sensorineural deafness. Identifiers: Orphanet 193, MedGen C0265223, MONDO:0008999, OMIM 216550.

Allele frequency attached by ClinVar (database versions not stated): gnomAD exomes below 0.00001 and 0.00001; ExAC 0.00002; gnomAD 0.00004; TOPMed 0.00004.
gnomAD v4.1: 10 of 1,613,666 alleles (0.00062%); highest among the groups gnomAD compares: African/African-American, 0.013%; no homozygotes.

Submissions (2):

Labcorp Genetics (formerly Invitae), Labcorp
Classification: Likely benign for Cohen syndrome. Last evaluated: 2025-10-27. Review status: criteria provided, single submitter. Criteria: Invitae Variant Classification Sherloc (09022015). Collection method: clinical testing. Allele origin: germline.

PreventionGenetics, part of Exact Sciences
Classification: Likely benign for VPS13B-related condition. Last evaluated: 2022-07-08. Review status: no assertion criteria provided. Collection method: clinical testing. Allele origin: germline. Not counted in ClinVar's aggregate classification.
Comment: This variant is classified as likely benign based on ACMG/AMP sequence variant interpretation guidelines (Richards et al. 2015 PMID: 25741868, with internal and published modifications).